The following is an entry in ClinVar:

NM_033026.6(PCLO):c.4311dup (p.Pro1438fs)

Gene: PCLO (piccolo presynaptic cytomatrix protein; minus strand). Cytogenetic location: 7q21.11.
Variant type: Duplication.
Coding change: c.4311dup on transcript NM_033026.6 (MANE Select); coding-DNA position 4311, one base duplicated (A; older notation c.4311dupA).
Protein change: p.Pro1438fs; shifts the reading frame from proline 1438.
Molecular consequence: frameshift variant.
Genome position (GRCh38, 1-based): chr7:82,956,642, T duplicated on the plus strand (A on the coding strand, the reverse complement: PCLO is on the minus strand); the first of 2 consecutive T bases (chr7:82,956,642-82,956,643); duplicating either gives the same sequence. VCF-style (leftmost placement, unchanged base first): chr7-82956641-G-GT. GRCh37 (hg19) VCF-style: chr7-82585957-G-GT.
Other names: c.4311dup, p.Pro1438fs (NM_014510.3); short protein forms P1438fs.
Identifiers: ClinVar variation 3903280 (VCV003903280.1).

ClinVar aggregate classification (germline): Uncertain significance (1 of 4 stars; one submission).

Submission:

GeneDx
Classification: Uncertain significance. Last evaluated: 2024-07-31. Review status: criteria provided, single submitter. Criteria: GeneDx Variant Classification Process June 2021. Collection method: clinical testing. Allele origin: germline. Affected: yes.
Comment: Not observed at significant frequency in large population cohorts (gnomAD); Frameshift variant predicted to result in protein truncation or nonsense mediated decay in a gene or region of a gene for which loss of function is not a well-established mechanism of disease; Has not been previously published as pathogenic or benign to our knowledge; Variants in candidate genes are classified as variants of uncertain significance in accordance with ACMG guidelines (PMID: 25741868)